The following is an entry in ClinVar:

ClinVar aggregate classification (germline): Uncertain significance. Review status: criteria provided, multiple submitters, no conflicts (2 of 4 stars). 3 submissions from 3 submitters: Uncertain significance (3). Last evaluated 2025-07-15.

Conditions:
Cardiomyopathy (CMYO). Also called: Cardiomyopathies. Identifiers: Orphanet 167848, MedGen C0878544, MONDO:0004994, HP:0001638. Inheritance: Various modes of inheritance.
Cardiovascular phenotype. Identifiers: MedGen CN230736.
Hypertrophic cardiomyopathy. Also called: HYPERTROPHIC MYOCARDIOPATHY. Identifiers: Orphanet 217569, MedGen C0007194, MeSH D002312, MONDO:0005045, HP:0001639.

Allele frequency attached by ClinVar (database versions not stated): TOPMed 0.00001.
gnomAD v4.1: 3 of 1,612,258 alleles (0.00019%); highest among the groups gnomAD compares: Non-Finnish European, 0.00025%; no homozygotes.

Submissions (3):

Ambry Genetics
Classification: Uncertain significance for Cardiovascular phenotype. Last evaluated: 2025-07-15. Review status: criteria provided, single submitter. Criteria: Ambry Variant Classification Scheme 2023. Collection method: clinical testing. Allele origin: germline.
Comment: The p.R79S variant (also known as c.235C>A), located in coding exon 5 of the TNNI3 gene, results from a C to A substitution at nucleotide position 235. The arginine at codon 79 is replaced by serine, an amino acid with dissimilar properties. This amino acid position is well conserved in available vertebrate species. In addition, the in silico prediction for this alteration is inconclusive. Based on the available evidence, the clinical significance of this variant remains unclear.

All of Us Research Program, National Institutes of Health
Classification: Uncertain significance for Hypertrophic cardiomyopathy. Last evaluated: 2024-03-04. Review status: criteria provided, single submitter. Criteria: ACMG Guidelines, 2015. Collection method: clinical testing. Allele origin: germline. Inheritance: Autosomal dominant inheritance. Observed: 1 variant allele, 1 heterozygote.
Comment: This missense variant replaces arginine with serine at codon 79 of the TNNI3 protein. Computational prediction is inconclusive regarding the impact of this variant on protein structure and function (internally defined REVEL score threshold 0.5 < inconclusive < 0.7, PMID: 27666373). Splice site prediction tools suggest that this variant may not impact RNA splicing. To our knowledge, functional studies have not been reported for this variant. This variant has not been reported in individuals affected with cardiovascular disorders in the literature. This variant has not been identified in the general population by the Genome Aggregation Database (gnomAD). The available evidence is insufficient to determine the role of this variant in disease conclusively. Therefore, this variant is classified as a Variant of Uncertain Significance.

This study involves interpretation of variants in research participants for the purpose of population health screening. Participant phenotype was not available at the time of variant classification. Additional details can be found in publication PMID: 35346344, PMCID: PMC8962531

Color Diagnostics, LLC DBA Color Health
Classification: Uncertain significance for Cardiomyopathy. Last evaluated: 2020-03-06. Review status: criteria provided, single submitter. Criteria: ACMG Guidelines, 2015. Collection method: clinical testing. Allele origin: germline.
Comment: This missense variant replaces arginine with serine at codon 79 of the TNNI3 protein. Computational prediction is inconclusive regarding the impact of this variant on protein structure and function (internally defined REVEL score threshold 0.5 < inconclusive < 0.7, PMID: 27666373). Splice site prediction tools suggest that this variant may not impact RNA splicing. To our knowledge, functional studies have not been reported for this variant. This variant has not been reported in individuals affected with cardiovascular disorders in the literature. This variant has not been identified in the general population by the Genome Aggregation Database (gnomAD). The available evidence is insufficient to determine the role of this variant in disease conclusively. Therefore, this variant is classified as a Variant of Uncertain Significance.

NM_000363.5(TNNI3):c.235C>A (p.Arg79Ser)

Gene: TNNI3 (troponin I3, cardiac type; minus strand). Cytogenetic location: 19q13.42.
Variant type: single nucleotide variant.
Coding change: c.235C>A on transcript NM_000363.5 (MANE Select); coding-DNA position 235, C replaced by A.
Protein change: p.Arg79Ser; replaces arginine 79 with serine.
Molecular consequence: missense variant.
Genome position (GRCh38, 1-based): chr19:55,156,248, G>T on the plus strand (C>A on the coding strand, the complement: TNNI3 is on the minus strand). VCF-style: chr19-55156248-G-T. GRCh37 (hg19) VCF-style: chr19-55667616-G-T.
Other names: short protein forms R79S.
Identifiers: ClinVar variation 923055 (VCV000923055.5), dbSNP rs3729712, ClinGen allele CA407441751.